The following is an entry in ClinVar:

ClinVar aggregate classification (germline): not provided (0 of 4 stars; one submission).

Conditions:
Childhood apraxia of speech (SPCH1). Also called: Speech language disorder; DEVELOPMENTAL VERBAL DYSPRAXIA; SPEECH AND LANGUAGE DISORDER WITH OROFACIAL DYSPRAXIA; FOXP2-Related Speech and Language Disorder. Identifiers: Orphanet 209908, MedGen C0750927, MONDO:0011184, OMIM 602081.

Submission:

GeneReviews
No classification provided. Condition: Childhood apraxia of speech. Review status: no classification provided. Collection method: literature only. Allele origin: germline. Affected: yes. Observed: 4 variant alleles.
Comment: Language: Impaired Cognition: Cognitive impairment Other: Polymicrogyria

Literature cited by the submitters: PubMed 20858596; NCBI Bookshelf NBK368474.

NM_014491.4(FOXP2):c.1591T>C (p.Tyr531His)

Gene: FOXP2 (forkhead box P2; plus strand). Cytogenetic location: 7q31.1.
Variant type: single nucleotide variant.
Coding change: c.1591T>C on transcript NM_014491.4 (MANE Select); coding-DNA position 1591, T replaced by C.
Protein change: p.Tyr531His; replaces tyrosine 531 with histidine.
Molecular consequence: missense variant. On other transcripts: non-coding transcript variant (2).
Genome position (GRCh38, 1-based): chr7:114,659,617, T>C. VCF-style: chr7-114659617-T-C. GRCh37 (hg19) VCF-style: chr7-114299672-T-C.
Other names: NP_055306.1:p.Met406Thr; c.1588T>C, p.Tyr530His (NM_001172766.3); c.1666T>C, p.Tyr556His (NM_148898.4); c.1642T>C, p.Tyr548His (NM_148900.4); short protein forms Y531H, Y556H, Y530H, Y548H.
Identifiers: ClinVar variation 242975 (VCV000242975.3), dbSNP rs879253772, ClinGen allele CA10584037.
Genomic context (GRCh38, chr7:114,659,617, plus strand): 5'-CTTGTCTCATTTCAGGCTATCATGGAGTCATCTGACAGGCAGTTAACACTTAATGAAATT[T>C]ACAGCTGGTTTACACGGACATTTGCTTACTTCAGGCGTAATGCAGCAACTTGGAAGGTAA-3'
Protein context (NP_055306.1, residues 521-541): SDRQLTLNEI[Tyr531His]SWFTRTFAYF